The following is an entry in ClinVar:

NM_000129.4(F13A1):c.1282G>A (p.Asp428Asn)

Gene: F13A1 (coagulation factor XIII A chain; minus strand). Cytogenetic location: 6p25.1.
Variant type: single nucleotide variant.
Coding change: c.1282G>A on transcript NM_000129.4 (MANE Select); coding-DNA position 1282, G replaced by A.
Protein change: p.Asp428Asn; replaces aspartic acid 428 with asparagine.
Molecular consequence: missense variant.
Genome position (GRCh38, 1-based): chr6:6,195,820, C>T on the plus strand (G>A on the coding strand, the complement: F13A1 is on the minus strand). VCF-style: chr6-6195820-C-T. GRCh37 (hg19) VCF-style: chr6-6196053-C-T.
Other names: p.Asp428Asn; short protein forms D428N.
Identifiers: ClinVar variation 3379631 (VCV003379631.1).

ClinVar aggregate classification (germline): Uncertain significance (1 of 4 stars; one submission).

gnomAD v4.1: 1 of 1,614,166 alleles (0.000062%); highest among the groups gnomAD compares: Admixed American, 0.0017%; no homozygotes.

Submission:

Mayo Clinic Laboratories, Mayo Clinic
Classification: Uncertain significance. Last evaluated: 2023-07-10. Review status: criteria provided, single submitter. Criteria: ACMG Guidelines, 2015. Collection method: clinical testing. Allele origin: germline. Observed: 1 variant allele.
Comment: PM1, PM2_moderate